The following is an entry in ClinVar:

ClinVar aggregate classification (germline): Uncertain significance (1 of 4 stars; one submission).

Conditions:
Amyotrophic lateral sclerosis type 12 (ALS12). Also called: AMYOTROPHIC LATERAL SCLEROSIS 12 WITH OR WITHOUT FRONTOTEMPORAL DEMENTIA. Identifiers: Orphanet 803, MedGen C3150692, MONDO:0013264, OMIM 613435.
Glaucoma 1, open angle, E. Identifiers: MedGen C1842026, MONDO:0007665.
Primary open angle glaucoma (POAG). Also called: OPTN-related open angle glaucoma. Identifiers: MedGen C0339573, MONDO:0100553, OMIM 137760.

Allele frequency attached by ClinVar (database versions not stated): TOPMed below 0.00001; gnomAD 0.00001.

Submission:

Labcorp Genetics (formerly Invitae), Labcorp
Classification: Uncertain significance for Primary open angle glaucoma; Glaucoma 1, open angle, E; Amyotrophic lateral sclerosis type 12. Last evaluated: 2023-02-01. Review status: criteria provided, single submitter. Criteria: Invitae Variant Classification Sherloc (09022015). Collection method: clinical testing. Allele origin: germline.
Comment: Variants that disrupt the consensus splice site are a relatively common cause of aberrant splicing (PMID: 17576681, 9536098). Algorithms developed to predict the effect of sequence changes on RNA splicing suggest that this variant may disrupt the consensus splice site. In summary, the available evidence is currently insufficient to determine the role of this variant in disease. Therefore, it has been classified as a Variant of Uncertain Significance. Algorithms developed to predict the effect of missense changes on protein structure and function (SIFT, PolyPhen-2, Align-GVGD) all suggest that this variant is likely to be tolerated. This variant has not been reported in the literature in individuals affected with OPTN-related conditions. This variant is not present in population databases (gnomAD no frequency). This sequence change replaces arginine, which is basic and polar, with lysine, which is basic and polar, at codon 260 of the OPTN protein (p.Arg260Lys). This variant also falls at the last nucleotide of exon 6, which is part of the consensus splice site for this exon.

Literature cited by the submitters: PubMed 17576681; PubMed 9536098.

NM_001008212.2(OPTN):c.779G>A (p.Arg260Lys)

Gene: OPTN (optineurin; plus strand). Cytogenetic location: 10p13.
Variant type: single nucleotide variant.
Coding change: c.779G>A on transcript NM_001008212.2 (MANE Select); coding-DNA position 779, G replaced by A.
Protein change: p.Arg260Lys; replaces arginine 260 with lysine.
Molecular consequence: missense variant.
Genome position (GRCh38, 1-based): chr10:13,119,040, G>A. VCF-style: chr10-13119040-G-A. GRCh37 (hg19) VCF-style: chr10-13161040-G-A.
Other names: c.779G>A, p.Arg260Lys (NM_001008211.1, NM_001008213.1, NM_021980.4); short protein forms R260K.
Identifiers: ClinVar variation 2933816 (VCV002933816.3), dbSNP rs1173642910, ClinGen allele CA376028667.